The following is an entry in ClinVar:

ClinVar aggregate classification (germline): Pathogenic (1 of 4 stars; one submission).

Conditions:
Nemaline myopathy 2 (NEM2). Also called: Nemaline myopathy 2, autosomal recessive. Identifiers: MedGen C1850569, MONDO:0009725, OMIM 256030.

Submission:

Labcorp Genetics (formerly Invitae), Labcorp
Classification: Pathogenic for Nemaline myopathy 2. Last evaluated: 2022-10-11. Review status: criteria provided, single submitter. Criteria: Invitae Variant Classification Sherloc (09022015). Collection method: clinical testing. Allele origin: germline.
Comment: This variant is a gross deletion of the genomic region encompassing exon(s) 14-77 of the NEB gene. This variant would be expected to be in-frame, preserving the integrity of the reading frame. This variant has not been reported in the literature in individuals affected with NEB-related conditions. The region of the NEB gene that includes exon(s) 55 has been determined to be clinically significant (PMID: 15221447, 19232495, 23715096). Therefore, deletions that encompass that region are likely to be disease-causing. For these reasons, this variant has been classified as Pathogenic.

Literature cited by the submitters: PubMed 15221447; PubMed 19232495; PubMed 23715096.

NC_000002.11:g.(?_152470770)_(152554182_?)del

Gene: NEB (nebulin; minus strand). Cytogenetic location: 2q23.3.
Variant type: Deletion.
Identifiers: ClinVar variation 2424074 (VCV002424074.3).